The following is an entry in ClinVar:

ClinVar aggregate classification (germline): Uncertain significance. Review status: criteria provided, multiple submitters, no conflicts (2 of 4 stars). 2 submissions from 2 submitters: Uncertain significance (2). Last evaluated 2024-05-23.

Conditions:
Neurofibromatosis, type 1 (NF1). Also called: Peripheral type neurofibromatosis; VON RECKLINGHAUSEN DISEASE; NEUROFIBROMATOSIS, TYPE I, SOMATIC; Neurofibromatosis, type I. Identifiers: Orphanet 636, MedGen C0027831, MONDO:0018975, OMIM 162200. Disease mechanism: loss of function.
Cardiovascular phenotype. Identifiers: MedGen CN230736.
Hereditary cancer-predisposing syndrome. Also called: Hereditary neoplastic syndrome; Tumor predisposition; Neoplastic Syndromes, Hereditary; Hereditary Cancer Syndrome. Identifiers: Orphanet 140162, MedGen C0027672, MeSH D009386, MONDO:0015356.

gnomAD v4.1: 1 of 1,613,892 alleles (0.000062%); highest among the groups gnomAD compares: Non-Finnish European, 0.000085%; no homozygotes.

Submissions (2):

Labcorp Genetics (formerly Invitae), Labcorp
Classification: Uncertain significance for Neurofibromatosis, type 1. Last evaluated: 2024-05-23. Review status: criteria provided, single submitter. Criteria: Invitae Variant Classification Sherloc (09022015). Collection method: clinical testing. Allele origin: germline.
Comment: This sequence change replaces arginine, which is basic and polar, with proline, which is neutral and non-polar, at codon 2573 of the NF1 protein (p.Arg2573Pro). This variant is not present in population databases (gnomAD no frequency). This variant has not been reported in the literature in individuals affected with NF1-related conditions. ClinVar contains an entry for this variant (Variation ID: 1716087). Advanced modeling of protein sequence and biophysical properties (such as structural, functional, and spatial information, amino acid conservation, physicochemical variation, residue mobility, and thermodynamic stability) performed at Invitae indicates that this missense variant is expected to disrupt NF1 protein function with a positive predictive value of 80%. In summary, the available evidence is currently insufficient to determine the role of this variant in disease. Therefore, it has been classified as a Variant of Uncertain Significance.

Ambry Genetics
Classification: Uncertain significance for Cardiovascular phenotype; Hereditary cancer-predisposing syndrome. Last evaluated: 2023-04-01. Review status: criteria provided, single submitter. Criteria: Ambry Variant Classification Scheme 2023. Collection method: clinical testing. Allele origin: germline.
Comment: The p.R2573P variant (also known as c.7718G>C), located in coding exon 52 of the NF1 gene, results from a G to C substitution at nucleotide position 7718. The arginine at codon 2573 is replaced by proline, an amino acid with dissimilar properties. This amino acid position is conserved. In addition, the in silico prediction for this alteration is inconclusive. Since supporting evidence is limited at this time, the clinical significance of this alteration remains unclear.

NM_001042492.3(NF1):c.7781G>C (p.Arg2594Pro)

Gene: NF1 (neurofibromin 1; plus strand). Cytogenetic location: 17q11.2.
Variant type: single nucleotide variant.
Coding change: c.7781G>C on transcript NM_001042492.3 (MANE Select); coding-DNA position 7781, G replaced by C.
Protein change: p.Arg2594Pro; replaces arginine 2594 with proline.
Molecular consequence: missense variant.
Genome position (GRCh38, 1-based): chr17:31,357,002, G>C. VCF-style: chr17-31357002-G-C. GRCh37 (hg19) VCF-style: chr17-29684020-G-C.
Other names: c.7718G>C, p.Arg2573Pro (NM_000267.4); short protein forms R2573P, R2594P.
Identifiers: ClinVar variation 1716087 (VCV001716087.6), dbSNP rs774781617, ClinGen allele CA399018447.